The following is an entry in ClinVar:

NM_001148.6(ANK2):c.9950C>A (p.Pro3317Gln)

Gene: ANK2 (ankyrin 2; plus strand). Cytogenetic location: 4q26.
Variant type: single nucleotide variant.
Coding change: c.9950C>A on transcript NM_001148.6 (MANE Select); coding-DNA position 9950, C replaced by A.
Protein change: p.Pro3317Gln; replaces proline 3317 with glutamine.
Molecular consequence: missense variant. On other transcripts: intron variant (68).
Genome position (GRCh38, 1-based): chr4:113,358,568, C>A. VCF-style: chr4-113358568-C-A. GRCh37 (hg19) VCF-style: chr4-114279724-C-A.
Other names: c.9716C>A, p.Pro3239Gln (NM_001386142.1); c.6350C>A, p.Pro2117Gln (NM_001386166.1); c.10091C>A, p.Pro3364Gln (NM_001386174.1); c.10067C>A, p.Pro3356Gln (NM_001386175.1); c.4412-2255C>A (NM_001386186.2, NM_001386148.2); c.4214-2255C>A (NM_001354269.3); c.4292-2255C>A (NM_001386187.2); c.4253-2255C>A (NM_001386147.1); and 35 more; short protein forms P2117Q, P3239Q, P3317Q, P3356Q, P3364Q.
Identifiers: ClinVar variation 3367882 (VCV003367882.2).

ClinVar aggregate classification (germline): Uncertain significance. Review status: criteria provided, multiple submitters, no conflicts (2 of 4 stars). 2 submissions from 2 submitters: Uncertain significance (2). Last evaluated 2025-11-12.

Conditions:
Cardiovascular phenotype. Identifiers: MedGen CN230736.

Submissions (2):

Ambry Genetics
Classification: Uncertain significance for Cardiovascular phenotype. Last evaluated: 2025-11-12. Review status: criteria provided, single submitter. Criteria: Ambry Variant Classification Scheme 2023. Collection method: clinical testing. Allele origin: germline.

GeneDx
Classification: Uncertain significance. Last evaluated: 2024-01-11. Review status: criteria provided, single submitter. Criteria: GeneDx Variant Classification Process June 2021. Collection method: clinical testing. Allele origin: germline. Affected: yes.
Comment: Not observed at significant frequency in large population cohorts (gnomAD); In silico analysis supports that this missense variant does not alter protein structure/function; Has not been previously published as pathogenic or benign to our knowledge